The following is an entry in ClinVar:

ClinVar aggregate classification (germline): Uncertain significance (1 of 4 stars; one submission).

Conditions:
Cardiovascular phenotype. Identifiers: MedGen CN230736.

Submission:

Ambry Genetics
Classification: Uncertain significance for Cardiovascular phenotype. Last evaluated: 2025-07-03. Review status: criteria provided, single submitter. Criteria: Ambry Variant Classification Scheme 2023. Collection method: clinical testing. Allele origin: germline.
Comment: The p.N685K variant (also known as c.2055C>A), located in coding exon 15 of the VCL gene, results from a C to A substitution at nucleotide position 2055. The asparagine at codon 685 is replaced by lysine, an amino acid with similar properties. This amino acid position is conserved. In addition, this alteration is predicted to be tolerated by in silico analysis. Based on the available evidence, the clinical significance of this variant remains unclear.

NM_014000.3(VCL):c.2055C>A (p.Asn685Lys)

Gene: VCL (vinculin; plus strand). Cytogenetic location: 10q22.2.
Variant type: single nucleotide variant.
Coding change: c.2055C>A on transcript NM_014000.3 (MANE Select); coding-DNA position 2055, C replaced by A.
Protein change: p.Asn685Lys; replaces asparagine 685 with lysine.
Molecular consequence: missense variant.
Genome position (GRCh38, 1-based): chr10:74,103,852, C>A. VCF-style: chr10-74103852-C-A. GRCh37 (hg19) VCF-style: chr10-75863610-C-A.
Other names: c.2055C>A, p.Asn685Lys (NM_003373.4); short protein forms N685K.
Identifiers: ClinVar variation 4198543 (VCV004198543.1).